The following is an entry in ClinVar:

ClinVar aggregate classification (germline): Conflicting classifications of pathogenicity. Review status: criteria provided, conflicting classifications (1 of 4 stars). 3 submissions from 3 submitters: Uncertain significance (2); Likely benign (1). Last evaluated 2025-06-22.

Conditions:
Granulomatous disease, chronic, autosomal recessive, cytochrome b-positive, type 2. Also called: GRANULOMATOUS DISEASE, CHRONIC, DUE TO NCF2 DEFICIENCY; Chronic granulomatous disease due to deficiency of NCF-2; Chronic Granulomatous Disease, Autosomal Recessive, Cytochrome b-Positive, Type II; GRANULOMATOUS DISEASE, CHRONIC, AUTOSOMAL RECESSIVE, 2; CGD, AUTOSOMAL RECESSIVE CYTOCHROME b-POSITIVE, TYPE II. Identifiers: Orphanet 379, MedGen C1856245, MONDO:0009310, OMIM 233710.
Inborn genetic diseases. Identifiers: MedGen C0950123, MeSH D030342.

Allele frequency attached by ClinVar (database versions not stated): TOPMed 0.00001; gnomAD exomes 0.00002.
gnomAD v4.1: 14 of 1,614,220 alleles (0.00087%); highest among the groups gnomAD compares: Admixed American, 0.005%; no homozygotes.

Submissions (3):

Ambry Genetics
Classification: Likely benign for Inborn genetic diseases. Last evaluated: 2025-06-22. Review status: criteria provided, single submitter. Criteria: Ambry Variant Classification Scheme 2023. Collection method: clinical testing. Allele origin: germline.

Labcorp Genetics (formerly Invitae), Labcorp
Classification: Uncertain significance for Granulomatous disease, chronic, autosomal recessive, cytochrome b-positive, type 2. Last evaluated: 2022-10-22. Review status: criteria provided, single submitter. Criteria: Invitae Variant Classification Sherloc (09022015). Collection method: clinical testing. Allele origin: germline.
Comment: This sequence change replaces threonine, which is neutral and polar, with alanine, which is neutral and non-polar, at codon 516 of the NCF2 protein (p.Thr516Ala). This variant is present in population databases (no rsID available, gnomAD 0.01%). This variant has not been reported in the literature in individuals affected with NCF2-related conditions. ClinVar contains an entry for this variant (Variation ID: 651357). Algorithms developed to predict the effect of missense changes on protein structure and function output the following: SIFT: "Tolerated"; PolyPhen-2: "Benign"; Align-GVGD: "Class C0". The alanine amino acid residue is found in multiple mammalian species, which suggests that this missense change does not adversely affect protein function. In summary, the available evidence is currently insufficient to determine the role of this variant in disease. Therefore, it has been classified as a Variant of Uncertain Significance.

Mayo Clinic Laboratories, Mayo Clinic
Classification: Uncertain significance. Last evaluated: 2020-01-22. Review status: criteria provided, single submitter. Criteria: ACMG Guidelines, 2015. Collection method: clinical testing. Allele origin: germline. Observed: 1 variant allele.

NM_000433.4(NCF2):c.1546A>G (p.Thr516Ala)

Gene: NCF2 (neutrophil cytosolic factor 2; minus strand). Cytogenetic location: 1q25.3.
Variant type: single nucleotide variant.
Coding change: c.1546A>G on transcript NM_000433.4 (MANE Select); coding-DNA position 1546, A replaced by G.
Protein change: p.Thr516Ala; replaces threonine 516 with alanine.
Molecular consequence: missense variant.
Genome position (GRCh38, 1-based): chr1:183,556,153, T>C on the plus strand (A>G on the coding strand, the complement: NCF2 is on the minus strand). VCF-style: chr1-183556153-T-C. GRCh37 (hg19) VCF-style: chr1-183525288-T-C.
Other names: c.1546A>G, p.Thr516Ala (NM_001127651.3); c.1303A>G, p.Thr435Ala (NM_001190789.2); c.1411A>G, p.Thr471Ala (NM_001190794.2); short protein forms T471A, T516A, T435A.
Identifiers: ClinVar variation 651357 (VCV000651357.13), dbSNP rs1038329001, ClinGen allele CA34017957.